The following is an entry in ClinVar:

NM_002637.4(PHKA1):c.1570-212A>G

Gene: PHKA1 (phosphorylase kinase regulatory subunit alpha 1; minus strand). Cytogenetic location: Xq13.1.
Variant type: single nucleotide variant.
Coding change: c.1570-212A>G on transcript NM_002637.4 (MANE Select); 212 bases into the intron before coding-DNA position 1570, A replaced by G.
Molecular consequence: intron variant.
Genome position (GRCh38, 1-based): chrX:72,635,511, T>C on the plus strand (A>G on the coding strand, the complement: PHKA1 is on the minus strand). VCF-style: chrX-72635511-T-C. GRCh37 (hg19) VCF-style: chrX-71855361-T-C.
Other names: c.1570-212A>G (NM_001172436.2, NM_001122670.2).
Identifiers: ClinVar variation 672672 (VCV000672672.1), dbSNP rs150631317, ClinGen allele CA331063325.
Genomic context (GRCh38, chrX:72,635,511, plus strand): 5'-GGGTTAACTGGCACATATAATAATTTCTGACATTTTTACGGTATGCTGCAGTTTACGAAG[T>C]ATTTTTAAGTATATAATTTTATTTAATCCTGTAACCCCCCAGTGAGGGCTTTTCTTCTTT-3'

ClinVar aggregate classification (germline): Benign (1 of 4 stars; one submission).

Allele frequency attached by ClinVar (database versions not stated): 1000 Genomes Project 0.02093; 1000 Genomes Project 30x 0.02227; TOPMed 0.04208; gnomAD 0.04517 and 0.04798.
gnomAD v4.1: 5,214 of 111,578 alleles (4.7%); highest among the groups gnomAD compares: Middle Eastern, 11%; 116 homozygotes.

Submission:

GeneDx
Classification: Benign. Last evaluated: 2018-06-14. Review status: criteria provided, single submitter. Criteria: GeneDx Variant Classification (06012015). Collection method: clinical testing. Allele origin: germline. Affected: yes.
Comment: This variant is considered likely benign or benign based on one or more of the following criteria: it is a conservative change, it occurs at a poorly conserved position in the protein, it is predicted to be benign by multiple in silico algorithms, and/or has population frequency not consistent with disease.